The following is an entry in ClinVar:

NM_033223.5(GABRG3):c.816G>A (p.Trp272Ter)

Gene: GABRG3 (gamma-aminobutyric acid type A receptor subunit gamma3; plus strand). Cytogenetic location: 15q12.
Variant type: single nucleotide variant.
Coding change: c.816G>A on transcript NM_033223.5 (MANE Select); coding-DNA position 816, G replaced by A.
Protein change: p.Trp272Ter; replaces tryptophan 272 with a stop codon.
Molecular consequence: nonsense.
Genome position (GRCh38, 1-based): chr15:27,520,075, G>A. VCF-style: chr15-27520075-G-A. GRCh37 (hg19) VCF-style: chr15-27765221-G-A.
Other names: short protein forms W272*.
Identifiers: ClinVar variation 4879320 (VCV004879320.1).

ClinVar aggregate classification (germline): Uncertain significance (1 of 4 stars; one submission).

Submission:

Clinical Genomics Laboratory, Washington University in St. Louis
Classification: Uncertain significance. Last evaluated: 2025-12-10. Review status: criteria provided, single submitter. Criteria: ACMG Guidelines, 2015. Collection method: clinical testing. Allele origin: germline.
Comment: The GABRG3 c.816G>A (p.Trp272*) variant, to our knowledge, has not been reported in the medical literature. This variant is absent from the general population (gnomAD v.2.1.1), indicating it is not a common variant. This variant causes a frameshift leading to a premature termination codon, which is predicted to lead to nonsense-mediated decay. Due to limited information, the clinical significance of this variant is uncertain.